The following is an entry in ClinVar:

NM_024642.5(GALNT12):c.121C>T (p.Arg41Cys)

Gene: GALNT12 (polypeptide N-acetylgalactosaminyltransferase 12; plus strand). Cytogenetic location: 9q22.33.
Variant type: single nucleotide variant.
Coding change: c.121C>T on transcript NM_024642.5 (MANE Select); coding-DNA position 121, C replaced by T.
Protein change: p.Arg41Cys; replaces arginine 41 with cysteine.
Molecular consequence: missense variant.
Genome position (GRCh38, 1-based): chr9:98,807,819, C>T. VCF-style: chr9-98807819-C-T. GRCh37 (hg19) VCF-style: chr9-101570101-C-T.
Other names: short protein forms R41C.
Identifiers: ClinVar variation 4670626 (VCV004670626.1).

ClinVar aggregate classification (germline): Uncertain significance (1 of 4 stars; one submission).

gnomAD v4.1: 2 of 1,048,404 alleles (0.00019%); highest among the groups gnomAD compares: South Asian, 0.0043%; no homozygotes.

Submission:

Ambry Genetics
Classification: Uncertain significance. Last evaluated: 2025-11-08. Review status: criteria provided, single submitter. Criteria: Ambry Variant Classification Scheme 2023. Collection method: clinical testing. Allele origin: germline.
Comment: The p.R41C variant (also known as c.121C>T), located in coding exon 1 of the GALNT12 gene, results from a C to T substitution at nucleotide position 121. The arginine at codon 41 is replaced by cysteine, an amino acid with highly dissimilar properties. This amino acid position is conserved. In addition, this alteration is predicted to be tolerated by in silico analysis. Based on the available evidence, the clinical significance of this variant remains unclear.